The following is an entry in ClinVar:

ClinVar aggregate classification (germline): Uncertain significance (1 of 4 stars; one submission).

Allele frequency attached by ClinVar (database versions not stated): gnomAD exomes below 0.00001; TOPMed below 0.00001; ExAC 0.00001; gnomAD 0.00001.
gnomAD v4.1: 3 of 1,614,114 alleles (0.00019%); highest among the groups gnomAD compares: Non-Finnish European, 0.00025%; no homozygotes.

Submission:

Labcorp Genetics (formerly Invitae), Labcorp
Classification: Uncertain significance. Last evaluated: 2022-03-09. Review status: criteria provided, single submitter. Criteria: Invitae Variant Classification Sherloc (09022015). Collection method: clinical testing. Allele origin: germline.
Comment: In summary, the available evidence is currently insufficient to determine the role of this variant in disease. Therefore, it has been classified as a Variant of Uncertain Significance. This sequence change replaces glycine, which is neutral and non-polar, with cysteine, which is neutral and slightly polar, at codon 109 of the KAT6A protein (p.Gly109Cys). This variant is present in population databases (rs772528215, gnomAD 0.0009%). This variant has not been reported in the literature in individuals affected with KAT6A-related conditions. Algorithms developed to predict the effect of missense changes on protein structure and function are either unavailable or do not agree on the potential impact of this missense change (SIFT: "Deleterious"; PolyPhen-2: "Probably Damaging"; Align-GVGD: "Class C0").

NM_006766.5(KAT6A):c.325G>T (p.Gly109Cys)

Gene: KAT6A (lysine acetyltransferase 6A; minus strand). Cytogenetic location: 8p11.21.
Variant type: single nucleotide variant.
Coding change: c.325G>T on transcript NM_006766.5 (MANE Select); coding-DNA position 325, G replaced by T.
Protein change: p.Gly109Cys; replaces glycine 109 with cysteine.
Molecular consequence: missense variant.
Genome position (GRCh38, 1-based): chr8:42,048,653, C>A on the plus strand (G>T on the coding strand, the complement: KAT6A is on the minus strand). VCF-style: chr8-42048653-C-A. GRCh37 (hg19) VCF-style: chr8-41906171-C-A.
Other names: c.325G>T, p.Gly109Cys (NM_001305878.2); short protein forms G109C.
Identifiers: ClinVar variation 2107968 (VCV002107968.4), dbSNP rs772528215, ClinGen allele CA4730451.